The following is an entry in ClinVar:

ClinVar aggregate classification (germline): Uncertain significance (1 of 4 stars; one submission).

Conditions:
Cardiovascular phenotype. Identifiers: MedGen CN230736.

Allele frequency attached by ClinVar (database versions not stated): gnomAD exomes below 0.00001; TOPMed below 0.00001.
gnomAD v4.1: 2 of 1,614,196 alleles (0.00012%); highest among the groups gnomAD compares: Admixed American, 0.0033%; no homozygotes.

Submission:

Ambry Genetics
Classification: Uncertain significance for Cardiovascular phenotype. Last evaluated: 2023-06-05. Review status: criteria provided, single submitter. Criteria: Ambry Variant Classification Scheme 2023. Collection method: clinical testing. Allele origin: germline.
Comment: The p.I676F variant (also known as c.2026A>T), located in coding exon 15 of the MYH6 gene, results from an A to T substitution at nucleotide position 2026. The isoleucine at codon 676 is replaced by phenylalanine, an amino acid with highly similar properties. This amino acid position is highly conserved in available vertebrate species. In addition, this alteration is predicted to be deleterious by in silico analysis. Since supporting evidence is limited at this time, the clinical significance of this alteration remains unclear.

NM_002471.4(MYH6):c.2026A>T (p.Ile676Phe)

Gene: MYH6 (myosin heavy chain 6; minus strand). Cytogenetic location: 14q11.2.
Variant type: single nucleotide variant.
Coding change: c.2026A>T on transcript NM_002471.4 (MANE Select); coding-DNA position 2026, A replaced by T.
Protein change: p.Ile676Phe; replaces isoleucine 676 with phenylalanine.
Molecular consequence: missense variant.
Genome position (GRCh38, 1-based): chr14:23,397,194, T>A on the plus strand (A>T on the coding strand, the complement: MYH6 is on the minus strand). VCF-style: chr14-23397194-T-A. GRCh37 (hg19) VCF-style: chr14-23866403-T-A.
Other names: short protein forms I676F.
Identifiers: ClinVar variation 1784651 (VCV001784651.3), dbSNP rs1445873737, ClinGen allele CA389019271.